The following is an entry in ClinVar:

NM_000245.4(MET):c.1521del (p.Lys508fs)

Gene: MET (MET proto-oncogene, receptor tyrosine kinase; plus strand). Cytogenetic location: 7q31.2.
Variant type: Deletion.
Coding change: c.1521del on transcript NM_000245.4 (MANE Select); coding-DNA position 1521, one base deleted (G; older notation c.1521delG).
Protein change: p.Lys508fs; shifts the reading frame from lysine 508.
Molecular consequence: frameshift variant.
Genome position (GRCh38, 1-based): chr7:116,740,078, G deleted; the last of 3 consecutive G bases (chr7:116,740,076-116,740,078); deleting any one gives the same sequence. VCF-style (leftmost placement, unchanged base first): chr7-116740075-TG-T. GRCh37 (hg19) VCF-style: chr7-116380129-TG-T.
Other names: c.1521del, p.Lys508fs (NM_001127500.3, NM_001324401.3); c.231del, p.Lys78fs (NM_001324402.2); short protein forms K78fs, K508fs.
Identifiers: ClinVar variation 4106764 (VCV004106764.1).

ClinVar aggregate classification (germline): Uncertain significance (1 of 4 stars; one submission).

Conditions:
Hereditary cancer-predisposing syndrome. Also called: Tumor predisposition; Neoplastic Syndromes, Hereditary; Hereditary neoplastic syndrome; Hereditary Cancer Syndrome. Identifiers: Orphanet 140162, MedGen C0027672, MeSH D009386, MONDO:0015356.

Submission:

Ambry Genetics
Classification: Uncertain significance for Hereditary cancer-predisposing syndrome. Last evaluated: 2025-07-23. Review status: criteria provided, single submitter. Criteria: Ambry Variant Classification Scheme 2023. Collection method: clinical testing. Allele origin: germline.
Comment: The c.1521delG variant, located in coding exon 3 of the MET gene, results from a deletion of one nucleotide at nucleotide position 1521, causing a translational frameshift with a predicted alternate stop codon (p.K508Rfs*8). This alteration is expected to result in protein truncation or nonsense-mediated mRNA decay. However, loss of function of MET has not been established as a mechanism of disease. Based on the available evidence, the clinical significance of this variant remains unclear.